The following is an entry in ClinVar:

ClinVar aggregate classification (germline): Uncertain significance. Review status: criteria provided, multiple submitters, no conflicts (2 of 4 stars). 2 submissions from 2 submitters: Uncertain significance (2). Last evaluated 2022-11-01.

Conditions:
Familial sleep-related hypermotor epilepsy. Also called: Autosomal Dominant Sleep-Related Hypermotor (Hyperkinetic) Epilepsy. Identifiers: Orphanet 98784, MedGen C3696898, MONDO:0000030.

Allele frequency attached by ClinVar (database versions not stated): gnomAD 0.00001.

Submissions (2):

CeGaT Center for Human Genetics Tuebingen
Classification: Uncertain significance. Last evaluated: 2022-11-01. Review status: criteria provided, single submitter. Criteria: CeGaT Center For Human Genetics Tuebingen Variant Classification Criteria Version 2. Collection method: clinical testing. Allele origin: germline. Affected: yes. Observed: 1 variant allele.
Comment: CHRNB2: PM2, BP4

Labcorp Genetics (formerly Invitae), Labcorp
Classification: Uncertain significance. Last evaluated: 2020-01-29. Review status: criteria provided, single submitter. Criteria: Invitae Variant Classification Sherloc (09022015). Collection method: clinical testing. Allele origin: germline.
Comment: In summary, the available evidence is currently insufficient to determine the role of this variant in disease. Therefore, it has been classified as a Variant of Uncertain Significance. Nucleotide substitutions within the consensus splice site are a relatively common cause of aberrant splicing (PMID: 17576681, 9536098). Algorithms developed to predict the effect of sequence changes on RNA splicing suggest that this variant may disrupt the consensus splice site, but this prediction has not been confirmed by published transcriptional studies. This variant has not been reported in the literature in individuals with CHRNB2-related conditions. This variant is not present in population databases (ExAC no frequency). This sequence change falls in intron 4 of the CHRNB2 gene. It does not directly change the encoded amino acid sequence of the CHRNB2 protein, but it affects a nucleotide within the consensus splice site of the intron.

Literature cited by the submitters: PubMed 17576681 (cited by Labcorp Genetics (formerly Invitae), Labcorp); PubMed 9536098 (cited by Labcorp Genetics (formerly Invitae), Labcorp).

NM_000748.3(CHRNB2):c.366-3C>T

Gene: CHRNB2 (cholinergic receptor nicotinic beta 2 subunit; plus strand). Cytogenetic location: 1q21.3.
Variant type: single nucleotide variant.
Coding change: c.366-3C>T on transcript NM_000748.3 (MANE Select); 3 bases into the intron before coding-DNA position 366, C replaced by T.
Molecular consequence: intron variant.
Genome position (GRCh38, 1-based): chr1:154,571,186, C>T. VCF-style: chr1-154571186-C-T. GRCh37 (hg19) VCF-style: chr1-154543662-C-T.
Identifiers: ClinVar variation 1053204 (VCV001053204.33), dbSNP rs1382302930, ClinGen allele CA526407529.